The following is an entry in ClinVar:

ClinVar aggregate classification (germline): Uncertain significance. Review status: criteria provided, multiple submitters, no conflicts (2 of 4 stars). 2 submissions from 2 submitters: Uncertain significance (2). Last evaluated 2025-06-09.

Conditions:
CREBBP-related disorder. Also called: CREBBP-related disorders; CREBBP-related condition.
Rubinstein-Taybi syndrome (RSTS). Identifiers: Orphanet 783, MedGen C0035934, MONDO:0019188.

Allele frequency attached by ClinVar (database versions not stated): TOPMed below 0.00001; gnomAD 0.00001.
gnomAD v4.1: 1 of 1,614,012 alleles (0.000062%); highest among the groups gnomAD compares: Non-Finnish European, 0.000085%; no homozygotes.

Submissions (2):

PreventionGenetics, part of Exact Sciences
Classification: Uncertain significance for CREBBP-related condition. Last evaluated: 2025-06-09. Review status: criteria provided, single submitter. Criteria: ACMG Guidelines, 2015. Collection method: clinical testing. Allele origin: germline.
Comment: The CREBBP c.413C>G variant is predicted to result in the amino acid substitution p.Ala138Gly. To our knowledge, this variant has not been reported in the literature or in a large population database (gnomAD), indicating this variant is rare. At this time, the clinical significance of this variant is uncertain due to the absence of conclusive functional and genetic evidence.

Labcorp Genetics (formerly Invitae), Labcorp
Classification: Uncertain significance for Rubinstein-Taybi syndrome. Last evaluated: 2023-09-05. Review status: criteria provided, single submitter. Criteria: Invitae Variant Classification Sherloc (09022015). Collection method: clinical testing. Allele origin: germline.
Comment: In summary, the available evidence is currently insufficient to determine the role of this variant in disease. Therefore, it has been classified as a Variant of Uncertain Significance. Advanced modeling of protein sequence and biophysical properties (such as structural, functional, and spatial information, amino acid conservation, physicochemical variation, residue mobility, and thermodynamic stability) has been performed at Invitae for this missense variant, however the output from this modeling did not meet the statistical confidence thresholds required to predict the impact of this variant on CREBBP protein function. This variant has not been reported in the literature in individuals affected with CREBBP-related conditions. This variant is not present in population databases (gnomAD no frequency). This sequence change replaces alanine, which is neutral and non-polar, with glycine, which is neutral and non-polar, at codon 138 of the CREBBP protein (p.Ala138Gly).

NM_004380.3(CREBBP):c.413C>G (p.Ala138Gly)

Gene: CREBBP (CREB binding lysine acetyltransferase; minus strand). Cytogenetic location: 16p13.3.
Variant type: single nucleotide variant.
Coding change: c.413C>G on transcript NM_004380.3 (MANE Select); coding-DNA position 413, C replaced by G.
Protein change: p.Ala138Gly; replaces alanine 138 with glycine.
Molecular consequence: missense variant.
Genome position (GRCh38, 1-based): chr16:3,850,682, G>C on the plus strand (C>G on the coding strand, the complement: CREBBP is on the minus strand). VCF-style: chr16-3850682-G-C. GRCh37 (hg19) VCF-style: chr16-3900683-G-C.
Other names: c.413C>G (NM_004380.2); c.413C>G, p.Ala138Gly (NM_001079846.1); short protein forms A138G.
Identifiers: ClinVar variation 2755531 (VCV002755531.4), dbSNP rs2054814255, ClinGen allele CA394561218.